The following is an entry in ClinVar:

NM_001347721.2(DYRK1A):c.65C>T (p.Ser22Leu)

Gene: DYRK1A (dual specificity tyrosine phosphorylation regulated kinase 1A; plus strand). Cytogenetic location: 21q22.13.
Variant type: single nucleotide variant.
Coding change: c.65C>T on transcript NM_001347721.2 (MANE Select); coding-DNA position 65, C replaced by T.
Protein change: p.Ser22Leu; replaces serine 22 with leucine.
Molecular consequence: missense variant. On other transcripts: 5 prime UTR variant (1).
Genome position (GRCh38, 1-based): chr21:37,472,738, C>T. VCF-style: chr21-37472738-C-T. GRCh37 (hg19) VCF-style: chr21-38845040-C-T.
Other names: c.65C>T, p.Ser22Leu (NM_001347722.2, NM_001396.5, NM_101395.2 and 2 more transcripts); c.-23C>T (NM_001347723.2); short protein forms S22L.
Identifiers: ClinVar variation 5006418 (VCV005006418.2).

ClinVar aggregate classification (germline): Uncertain significance (1 of 4 stars; one submission).

Conditions:
DYRK1A-related intellectual disability syndrome (MRD7). Also called: Intellectual developmental disorder, autosomal dominant 7; DYRK1A Syndrome. Identifiers: Orphanet 464306, MedGen C5568143, MONDO:0013578, OMIM 614104.

Submission:

Juno Genomics, Hangzhou Juno Genomics, Inc
Classification: Uncertain significance for DYRK1A-related intellectual disability syndrome. Review status: criteria provided, single submitter. Criteria: ACMG Guidelines, 2015. Collection method: clinical testing. Allele origin: germline.
Comment: Absent from controls (or at extremely low frequency if recessive) in Genome Aggregation Database.;Missense variant in a gene that has a low rate of benign missense variation.